The following is an entry in ClinVar:

NM_000059.4(BRCA2):c.2306T>G (p.Leu769Arg)

Gene: BRCA2 (BRCA2 DNA repair associated; plus strand). Cytogenetic location: 13q13.1.
Variant type: single nucleotide variant.
Coding change: c.2306T>G on transcript NM_000059.4 (MANE Select); coding-DNA position 2306, T replaced by G.
Protein change: p.Leu769Arg; replaces leucine 769 with arginine.
Molecular consequence: missense variant.
Genome position (GRCh38, 1-based): chr13:32,336,661, T>G. VCF-style: chr13-32336661-T-G. GRCh37 (hg19) VCF-style: chr13-32910798-T-G.
Other names: short protein forms L769R.
Identifiers: ClinVar variation 821079 (VCV000821079.11), dbSNP rs1555282603, ClinGen allele CA387771356.

ClinVar aggregate classification (germline): Conflicting classifications of pathogenicity. Review status: criteria provided, conflicting classifications (1 of 4 stars). 3 submissions from 3 submitters: Uncertain significance (2); Likely benign (1). Last evaluated 2023-03-23.

Conditions:
Hereditary breast ovarian cancer syndrome. Also called: Hereditary breast and/or ovarian cancer syndrome; BRCA1- and BRCA2-Associated Hereditary Breast and Ovarian Cancer; Hereditary breast and ovarian cancer syndrome; Hereditary breast and ovarian cancer; Hereditary breast and ovarian cancer syndrome (HBOC); Breast and ovarian cancer. Identifiers: Orphanet 145, MedGen C0677776, MeSH D061325, MONDO:0003582. Disease mechanism: loss of function.
Hereditary cancer-predisposing syndrome. Also called: Neoplastic Syndromes, Hereditary; Tumor predisposition; Hereditary Cancer Syndrome; Hereditary neoplastic syndrome. Identifiers: Orphanet 140162, MedGen C0027672, MeSH D009386, MONDO:0015356.

Submissions (3):

University of Washington Department of Laboratory Medicine, University of Washington
Classification: Likely benign for Hereditary cancer-predisposing syndrome. Last evaluated: 2023-03-23. Review status: criteria provided, single submitter. Criteria: Dines et al. (Genet Med. 2020). Collection method: curation. Allele origin: germline.
Comment: Missense variant in a coldspot region where missense variants are very unlikely to be pathogenic (PMID:31911673).

BRCA2 exon 11 coldspot. Reclassification based on statistical prior probability.

Labcorp Genetics (formerly Invitae), Labcorp
Classification: Uncertain significance for Hereditary breast ovarian cancer syndrome. Last evaluated: 2022-09-27. Review status: criteria provided, single submitter. Criteria: Invitae Variant Classification Sherloc (09022015). Collection method: clinical testing. Allele origin: germline.
Comment: In summary, the available evidence is currently insufficient to determine the role of this variant in disease. Therefore, it has been classified as a Variant of Uncertain Significance. Advanced modeling of protein sequence and biophysical properties (such as structural, functional, and spatial information, amino acid conservation, physicochemical variation, residue mobility, and thermodynamic stability) performed at Invitae indicates that this missense variant is not expected to disrupt BRCA2 protein function. ClinVar contains an entry for this variant (Variation ID: 821079). This variant has not been reported in the literature in individuals affected with BRCA2-related conditions. This variant is not present in population databases (gnomAD no frequency). This sequence change replaces leucine, which is neutral and non-polar, with arginine, which is basic and polar, at codon 769 of the BRCA2 protein (p.Leu769Arg).

Ambry Genetics
Classification: Uncertain significance for Hereditary cancer-predisposing syndrome. Last evaluated: 2018-11-09. Review status: criteria provided, single submitter. Criteria: Ambry Variant Classification Scheme 2023. Collection method: clinical testing. Allele origin: germline.
Comment: The p.L769R variant (also known as c.2306T>G), located in coding exon 10 of the BRCA2 gene, results from a T to G substitution at nucleotide position 2306. The leucine at codon 769 is replaced by arginine, an amino acid with dissimilar properties. This amino acid position is not well conserved in available vertebrate species. In addition, the in silico prediction for this alteration is inconclusive. Since supporting evidence is limited at this time, the clinical significance of this alteration remains unclear.